The following is an entry in ClinVar:

NM_001793.6(CDH3):c.2329C>T (p.Leu777Phe)

Gene: CDH3 (cadherin 3; plus strand). Cytogenetic location: 16q22.1.
Variant type: single nucleotide variant.
Coding change: c.2329C>T on transcript NM_001793.6 (MANE Select); coding-DNA position 2329, C replaced by T.
Protein change: p.Leu777Phe; replaces leucine 777 with phenylalanine.
Molecular consequence: missense variant. On other transcripts: 3 prime UTR variant (1).
Genome position (GRCh38, 1-based): chr16:68,698,239, C>T. VCF-style: chr16-68698239-C-T. GRCh37 (hg19) VCF-style: chr16-68732142-C-T.
Other names: c.*72C>T (NM_001317195.3); c.2164C>T, p.Leu722Phe (NM_001317196.2); short protein forms L722F, L777F.
Identifiers: ClinVar variation 1474927 (VCV001474927.6), dbSNP rs766643892, ClinGen allele CA8129704.

ClinVar aggregate classification (germline): Uncertain significance (1 of 4 stars; one submission).

Allele frequency attached by ClinVar (database versions not stated): gnomAD exomes below 0.00001; ExAC 0.00001; gnomAD 0.00001.
gnomAD v4.1: 1 of 1,614,142 alleles (0.000062%); highest among the groups gnomAD compares: Non-Finnish European, 0.000085%; no homozygotes.

Submission:

Labcorp Genetics (formerly Invitae), Labcorp
Classification: Uncertain significance. Last evaluated: 2021-08-02. Review status: criteria provided, single submitter. Criteria: Invitae Variant Classification Sherloc (09022015). Collection method: clinical testing. Allele origin: germline.
Comment: In summary, the available evidence is currently insufficient to determine the role of this variant in disease. Therefore, it has been classified as a Variant of Uncertain Significance. Algorithms developed to predict the effect of missense changes on protein structure and function are either unavailable or do not agree on the potential impact of this missense change (SIFT: "Not Available"; PolyPhen-2: "Probably Damaging"; Align-GVGD: "Not Available"). This variant has not been reported in the literature in individuals affected with CDH3-related conditions. This variant is present in population databases (rs766643892, ExAC 0.002%). This sequence change replaces leucine with phenylalanine at codon 777 of the CDH3 protein (p.Leu777Phe). The leucine residue is highly conserved and there is a small physicochemical difference between leucine and phenylalanine.